The following is an entry in ClinVar:

ClinVar aggregate classification (germline): Uncertain significance (1 of 4 stars; one submission).

Conditions:
Kabuki syndrome. Also called: NIIKAWA-KUROKI SYNDROME; Kabuki make-up syndrome. Identifiers: Orphanet 2322, MedGen C0796004, MONDO:0016512.

Submission:

Labcorp Genetics (formerly Invitae), Labcorp
Classification: Uncertain significance for Kabuki syndrome. Last evaluated: 2022-11-01. Review status: criteria provided, single submitter. Criteria: Invitae Variant Classification Sherloc (09022015). Collection method: clinical testing. Allele origin: germline.
Comment: This variant is not present in population databases (gnomAD no frequency). This variant has not been reported in the literature in individuals affected with KMT2D-related conditions. Algorithms developed to predict the effect of sequence changes on RNA splicing suggest that this variant may create or strengthen a splice site. In summary, the available evidence is currently insufficient to determine the role of this variant in disease. Therefore, it has been classified as a Variant of Uncertain Significance. This sequence change affects codon 5298 of the KMT2D mRNA. It is a 'silent' change, meaning that it does not change the encoded amino acid sequence of the KMT2D protein.

NM_003482.4(KMT2D):c.15894G>A (p.Val5298=)

Gene: KMT2D (lysine methyltransferase 2D; minus strand). Cytogenetic location: 12q13.12.
Variant type: single nucleotide variant.
Coding change: c.15894G>A on transcript NM_003482.4 (MANE Select); coding-DNA position 15894, G replaced by A.
Protein change: p.Val5298=; no amino-acid change (valine 5298 retained).
Molecular consequence: synonymous variant.
Genome position (GRCh38, 1-based): chr12:49,024,837, C>T on the plus strand (G>A on the coding strand, the complement: KMT2D is on the minus strand). VCF-style: chr12-49024837-C-T. GRCh37 (hg19) VCF-style: chr12-49418620-C-T.
Identifiers: ClinVar variation 2415110 (VCV002415110.7), dbSNP rs1420201737, ClinGen allele CA479522008.